The following is an entry in ClinVar:

ClinVar aggregate classification (germline): Likely benign (1 of 4 stars; one submission).

Conditions:
Tuberous sclerosis 2 (TSC2). Identifiers: Orphanet 805, MedGen C1860707, MONDO:0013199, OMIM 613254.

Submission:

Myriad Genetics, Inc.
Classification: Likely benign for Tuberous sclerosis 2. Last evaluated: 2025-05-13. Review status: criteria provided, single submitter. Criteria: Myriad Autosomal Dominant, Autosomal Recessive and X-Linked Classification Criteria (2023). Collection method: clinical testing. Allele origin: unknown.
Comment: This variant is considered likely benign. This variant is intronic and is not expected to impact mRNA splicing.

NM_000548.5(TSC2):c.976-11T>C

Gene: TSC2 (TSC complex subunit 2; plus strand). Cytogenetic location: 16p13.3.
Variant type: single nucleotide variant.
Coding change: c.976-11T>C on transcript NM_000548.5 (MANE Select); 11 bases into the intron before coding-DNA position 976, T replaced by C.
Molecular consequence: intron variant.
Genome position (GRCh38, 1-based): chr16:2,060,659, T>C. VCF-style: chr16-2060659-T-C. GRCh37 (hg19) VCF-style: chr16-2110660-T-C.
Other names: c.-456-11T>C (NM_001406693.1, NM_001406689.1, NM_001406690.1 and 4 more transcripts); c.1066-11T>C (NM_001406667.1, NM_001406668.1); c.376-11T>C (NM_001406680.1, NM_001406683.1, NM_001406687.1 and 6 more transcripts); c.-632-11T>C (NM_001406698.1); c.976-11T>C (NM_001114382.3, NM_001406663.1, NM_001406664.1 and 6 more transcripts); c.-337-11T>C (NM_001406694.1, NM_001406695.1); c.964-11T>C (NM_001406671.1, NM_001406673.1); c.514-11T>C (NM_001406681.1); and 4 more.
Identifiers: ClinVar variation 4071108 (VCV004071108.1).
Genomic context (GRCh38, chr16:2,060,659, plus strand): 5'-GGTGACTGGGAGGGCGTCCCACAGCAAGCAAGCAGCTCTGACCCTGTGTGCTGGCCGGGC[T>C]CGTGTTCCAGGCCATGGCATGTCCGAACGAGGTGGTGTCCTATGAGATCGTCCTGTCCAT-3'